The following is an entry in ClinVar:

NM_130384.3(ATRIP):c.1627C>T (p.Leu543Phe)

Genes: ATRIP (ATR interacting protein; plus strand), ATRIP-TREX1 (ATRIP-TREX1 readthrough; plus strand). Cytogenetic location: 3p21.31.
Variant type: single nucleotide variant.
Coding change: c.1627C>T on transcript NM_130384.3 (MANE Select); coding-DNA position 1627, C replaced by T.
Protein change: p.Leu543Phe; replaces leucine 543 with phenylalanine.
Molecular consequence: missense variant. On other transcripts: non-coding transcript variant (1).
Genome position (GRCh38, 1-based): chr3:48,460,681, C>T. VCF-style: chr3-48460681-C-T. GRCh37 (hg19) VCF-style: chr3-48502080-C-T.
Other names: c.1246C>T, p.Leu416Phe (NM_001271022.2); c.1348C>T, p.Leu450Phe (NM_001271023.2); c.1627C>T, p.Leu543Phe (NM_032166.4); short protein forms L543F, L416F, L450F.
Identifiers: ClinVar variation 3809221 (VCV003809221.1).

ClinVar aggregate classification (germline): Uncertain significance (1 of 4 stars; one submission).

gnomAD v4.1: 1 of 1,614,046 alleles (0.000062%); highest among the groups gnomAD compares: Admixed American, 0.0017%; no homozygotes.

Submission:

Ambry Genetics
Classification: Uncertain significance. Last evaluated: 2024-12-21. Review status: criteria provided, single submitter. Criteria: Ambry Variant Classification Scheme 2023. Collection method: clinical testing. Allele origin: germline.
Comment: The p.L543F variant (also known as c.1627C>T), located in coding exon 8 of the ATRIP gene, results from a C to T substitution at nucleotide position 1627. The leucine at codon 543 is replaced by phenylalanine, an amino acid with highly similar properties. This amino acid position is conserved. In addition, this alteration is predicted to be deleterious by in silico analysis. Based on the available evidence, the clinical significance of this variant remains unclear.